The following is an entry in ClinVar:

ClinVar aggregate classification (germline): Likely pathogenic (1 of 4 stars; one submission).

Conditions:
Charcot-Marie-Tooth disease type 4A. Also called: Charcot-Marie-Tooth disease, demyelinating, autosomal recessive, type 4a. Identifiers: Orphanet 99948, MedGen C1859198, MONDO:0008961, OMIM 214400.

Allele frequency attached by ClinVar (database versions not stated): TOPMed below 0.00001.

Submission:

Labcorp Genetics (formerly Invitae), Labcorp
Classification: Likely pathogenic for Charcot-Marie-Tooth disease type 4A. Last evaluated: 2021-03-05. Review status: criteria provided, single submitter. Criteria: Invitae Variant Classification Sherloc (09022015). Collection method: clinical testing. Allele origin: germline.
Comment: In summary, the currently available evidence indicates that the variant is pathogenic, but additional data are needed to prove that conclusively. Therefore, this variant has been classified as Likely Pathogenic. Donor and acceptor splice site variants typically lead to a loss of protein function (PMID: 16199547), and loss-of-function variants in GDAP1 are known to be pathogenic (PMID: 11743580). Algorithms developed to predict the effect of sequence changes on RNA splicing suggest that this variant may disrupt the consensus splice site, but this prediction has not been confirmed by published transcriptional studies. This variant has not been reported in the literature in individuals with GDAP1-related conditions. This variant is not present in population databases (ExAC no frequency). This sequence change affects a donor splice site in intron 1 of the GDAP1 gene. It is expected to disrupt RNA splicing and likely results in an absent or disrupted protein product.

Literature cited by the submitters: PubMed 16199547; PubMed 11743580.

NM_018972.4(GDAP1):c.117+1G>A

Genes: GDAP1 (ganglioside induced differentiation associated protein 1; plus strand), LOC130000622 (ATAC-STARR-seq lymphoblastoid active region 27542; plus strand). Cytogenetic location: 8q21.11.
Variant type: single nucleotide variant.
Coding change: c.117+1G>A on transcript NM_018972.4 (MANE Select); the canonical splice donor site of the intron after coding-DNA position 117, G replaced by A.
Molecular consequence: splice donor variant. On other transcripts: intron variant (1).
Genome position (GRCh38, 1-based): chr8:74,350,579, G>A. VCF-style: chr8-74350579-G-A. GRCh37 (hg19) VCF-style: chr8-75262814-G-A.
Other names: c.117+1G>A (NM_001362931.2, NM_001362930.2); c.-66+1G>A (NM_001362929.2); c.-18+1G>A (NM_001362932.2); c.-64+107G>A (NM_001040875.4).
Identifiers: ClinVar variation 1067546 (VCV001067546.7), dbSNP rs1808804404, ClinGen allele CA371499217.